The following is an entry in ClinVar:

ClinVar aggregate classification (germline): Likely benign. Review status: criteria provided, multiple submitters, no conflicts (2 of 4 stars). 3 submissions from 3 submitters: Likely benign (2). 1 of the submissions does not count toward it. Last evaluated 2024-06-14.

Conditions:
NDUFV1-related disorder. Also called: NDUFV1-related disorders; NDUFV1-related condition.

Allele frequency attached by ClinVar (database versions not stated): gnomAD 0.00003 and 0.00004; TOPMed 0.00004; gnomAD exomes 0.00007 and 0.00010; ExAC 0.00009.
gnomAD v4.1: 156 of 1,609,574 alleles (0.0097%); highest among the groups gnomAD compares: Non-Finnish European, 0.012%; no homozygotes.

Submissions (3):

Blueprint Genetics
Classification: Likely benign. Last evaluated: 2024-06-14. Review status: criteria provided, single submitter. Criteria: ACMG Guidelines, 2015. Collection method: clinical testing. Allele origin: germline.

GeneDx
Classification: Likely benign. Last evaluated: 2018-04-20. Review status: criteria provided, single submitter. Criteria: GeneDx Variant Classification Process June 2021. Collection method: clinical testing. Allele origin: germline. Affected: yes.

PreventionGenetics, part of Exact Sciences
Classification: Likely benign for NDUFV1-related condition. Last evaluated: 2019-12-13. Review status: no assertion criteria provided. Collection method: clinical testing. Allele origin: germline. Not counted in ClinVar's aggregate classification.
Comment: This variant is classified as likely benign based on ACMG/AMP sequence variant interpretation guidelines (Richards et al. 2015 PMID: 25741868, with internal and published modifications).

NM_007103.4(NDUFV1):c.*7A>G

Genes: NDUFV1 (NADH:ubiquinone oxidoreductase core subunit V1; plus strand), LOC126861242 (CDK7 strongly-dependent group 2 enhancer GRCh37_chr11:67379204-67380403; plus strand). Cytogenetic location: 11q13.2.
Variant type: single nucleotide variant.
Coding change: c.*7A>G on transcript NM_007103.4 (MANE Select); 7 bases downstream of the stop codon, A replaced by G.
Molecular consequence: 3 prime UTR variant.
Genome position (GRCh38, 1-based): chr11:67,612,465, A>G. VCF-style: chr11-67612465-A-G. GRCh37 (hg19) VCF-style: chr11-67379936-A-G.
Other names: c.*7A>G (NM_007103.3, NM_001166102.2).
Identifiers: ClinVar variation 1219770 (VCV001219770.6), dbSNP rs3183631, ClinGen allele CA6143525.
Genomic context (GRCh38, chr11:67,612,465, plus strand): 5'-GAGCGGATGCAGCGGTTTGCCCAGCAGCATCAGGCCCGGCAGGCTGCCTCTTAGCCCACC[A>G]CCCTGGCCTGCTGTCCTGCGTCTATCCATGTGGAATGCTGGACAATAAAGCGAGTGCTGC-3'